The following is an entry in ClinVar:

ClinVar aggregate classification (germline): Uncertain significance (1 of 4 stars; one submission).

gnomAD v4.1: 1 of 1,614,214 alleles (0.000062%); highest among the groups gnomAD compares: Non-Finnish European, 0.000085%; no homozygotes.

Submission:

Labcorp Genetics (formerly Invitae), Labcorp
Classification: Uncertain significance. Last evaluated: 2024-09-27. Review status: criteria provided, single submitter. Criteria: Invitae Variant Classification Sherloc (09022015). Collection method: clinical testing. Allele origin: germline.
Comment: This sequence change replaces aspartic acid, which is acidic and polar, with asparagine, which is neutral and polar, at codon 1074 of the HDAC4 protein (p.Asp1074Asn). This variant is not present in population databases (gnomAD no frequency). This variant has not been reported in the literature in individuals affected with HDAC4-related conditions. Invitae Evidence Modeling of protein sequence and biophysical properties (such as structural, functional, and spatial information, amino acid conservation, physicochemical variation, residue mobility, and thermodynamic stability) indicates that this missense variant is not expected to disrupt HDAC4 protein function with a negative predictive value of 80%. In summary, the available evidence is currently insufficient to determine the role of this variant in disease. Therefore, it has been classified as a Variant of Uncertain Significance.

NM_001378414.1(HDAC4):c.3235G>A (p.Asp1079Asn)

Gene: HDAC4 (histone deacetylase 4; minus strand). Cytogenetic location: 2q37.3.
Variant type: single nucleotide variant.
Coding change: c.3235G>A on transcript NM_001378414.1 (MANE Select); coding-DNA position 3235, G replaced by A.
Protein change: p.Asp1079Asn; replaces aspartic acid 1079 with asparagine.
Molecular consequence: missense variant.
Genome position (GRCh38, 1-based): chr2:239,053,132, C>T on the plus strand (G>A on the coding strand, the complement: HDAC4 is on the minus strand). VCF-style: chr2-239053132-C-T. GRCh37 (hg19) VCF-style: chr2-239974828-C-T.
Other names: c.3235G>A, p.Asp1079Asn (NM_001378415.1); c.3220G>A, p.Asp1074Asn (NM_001378416.1, NM_001378417.1, NM_006037.4); short protein forms D1074N, D1079N.
Identifiers: ClinVar variation 3704547 (VCV003704547.2).
Genomic context (GRCh38, chr2:239,053,132, plus strand): 5'-AGAGAACAGCAGCTTCGAGGGAGTGCTACAGGGGCGGCTCCTCTTCCATGGGCTCCTCAT[C>T]TGGTCTGTGGATCCCGCAAGAGAAGGAGATGGGGGCGTGGGGCAGGTGCACCACAGAGAG-3'
Protein context (NP_001365343.1, residues 1069-1089): VGVKPAEKRP[Asp1079Asn]EEPMEEEPPL